The following is an entry in ClinVar:

NM_000343.4(SLC5A1):c.1400T>C (p.Ile467Thr)

Gene: SLC5A1 (solute carrier family 5 member 1; plus strand). Cytogenetic location: 22q12.3.
Variant type: single nucleotide variant.
Coding change: c.1400T>C on transcript NM_000343.4 (MANE Select); coding-DNA position 1400, T replaced by C.
Protein change: p.Ile467Thr; replaces isoleucine 467 with threonine.
Molecular consequence: missense variant.
Genome position (GRCh38, 1-based): chr22:32,099,302, T>C. VCF-style: chr22-32099302-T-C. GRCh37 (hg19) VCF-style: chr22-32495289-T-C.
Other names: c.1019T>C, p.Ile340Thr (NM_001256314.2); c.1400T>C (NM_000343.3); short protein forms I340T, I467T.
Identifiers: ClinVar variation 1687332 (VCV001687332.3), dbSNP rs199872460, ClinGen allele CA10198222.

ClinVar aggregate classification (germline): Conflicting classifications of pathogenicity. Review status: criteria provided, conflicting classifications (1 of 4 stars). 3 submissions from 3 submitters: Likely pathogenic (1); Uncertain significance (2). Last evaluated 2024-01-16.

Conditions:
Congenital glucose-galactose malabsorption (GGM). Also called: DIARRHEA 16; MONOSACCHARIDE MALABSORPTION. Identifiers: Orphanet 35710, MedGen C0268186, MONDO:0011731, OMIM 606824.
SLC5A1-related disorder. Also called: SLC5A1-related condition.

Allele frequency attached by ClinVar (database versions not stated): ExAC 0.00001; gnomAD exomes 0.00001 and 0.00002; TOPMed 0.00001; gnomAD 0.00002.
gnomAD v4.1: 19 of 1,613,344 alleles (0.0012%); highest among the groups gnomAD compares: South Asian, 0.0099%; no homozygotes.

Submissions (3):

Fulgent Genetics
Classification: Uncertain significance for Congenital glucose-galactose malabsorption. Last evaluated: 2024-01-16. Review status: criteria provided, single submitter. Criteria: ACMG Guidelines, 2015. Collection method: clinical testing. Allele origin: germline.

PreventionGenetics, part of Exact Sciences
Classification: Likely pathogenic for SLC5A1-related condition. Last evaluated: 2023-05-11. Review status: criteria provided, single submitter. Criteria: ACMG Guidelines, 2015. Collection method: clinical testing. Allele origin: germline.
Comment: The SLC5A1 c.1400T>C variant is predicted to result in the amino acid substitution p.Ile467Thr. This variant has been reported in the homozygous state in an individual with persistent diarrhea (Sharma V et al. 2017, DOI 10.1016/j.clnesp.2017.07.038). This variant is reported in 0.0098% of alleles in individuals of South Asian descent in gnomAD. This variant is interpreted as likely pathogenic.

3billion
Classification: Uncertain significance for Congenital glucose-galactose malabsorption. Last evaluated: 2022-05-22. Review status: criteria provided, single submitter. Criteria: ACMG Guidelines, 2015. Collection method: clinical testing. Allele origin: germline. Affected: yes. Observed: 1 homozygote.
Comment: The variant is observed at an extremely low frequency in the gnomAD v2.1.1 dataset (total allele frequency: 0.002%). Missense changes are a common disease-causing mechanism. In silico tool predictions suggest damaging effect of the variant on gene or gene product (REVEL: 0.92; 3Cnet: 0.62). Therefore, this variant is classified as uncertain significanceaccording to the recommendation of ACMG/AMP guideline.